The following is an entry in ClinVar:

ClinVar aggregate classification (germline): Conflicting classifications of pathogenicity. Review status: criteria provided, conflicting classifications (1 of 4 stars). 2 submissions from 2 submitters: Uncertain significance (1); Likely benign (1). Last evaluated 2025-12-03.

Conditions:
DST-related disorder. Also called: DST-related condition; DST-related disorders.

gnomAD v4.1: 82 of 1,367,356 alleles (0.006%); highest among the groups gnomAD compares: Non-Finnish European, 0.0077%; no homozygotes.

Submissions (2):

PreventionGenetics, part of Exact Sciences
Classification: Likely benign for DST-related condition. Last evaluated: 2025-12-03. Review status: criteria provided, single submitter. Criteria: ACMG Guidelines, 2015. Collection method: clinical testing. Allele origin: germline.
Comment: This variant is classified as likely benign based on ACMG/AMP sequence variant interpretation guidelines (Richards et al. 2015 PMID: 25741868, with internal and published modifications).

Women's Health and Genetics/Laboratory Corporation of America, LabCorp
Classification: Uncertain significance. Last evaluated: 2025-03-06. Review status: criteria provided, single submitter. Criteria: LabCorp Variant Classification Summary - May 2015. Collection method: clinical testing. Allele origin: germline.
Comment: Variant summary: DST NM_001723: c.-311733T>C is located in the untranscribed region upstream of the DST gene region. This variant is also known as NM_001144769.5: c.67T>C, p.Leu23Leu, a synonymous variant in the coding region of the DST gene. The variant allele was found at a frequency of 2.4e-05 in 248316 control chromosomes. The available data on variant occurrences in the general population are insufficient to allow any conclusion about variant significance. To our knowledge, no occurrence of NM_001723: c.-311733T>C/NM_001144769.5: c.67T>C in individuals affected with Epidermolysis bullosa simplex 3, localized or generalized intermediate, with BP230 deficiency and no experimental evidence demonstrating its impact on protein function have been reported. No submitters have cited clinical-significance assessments for this variant to ClinVar. Based on the evidence outlined above, the variant was classified as uncertain significance.

NM_001374736.1(DST):c.67T>C (p.Leu23=)

Gene: DST (dystonin; minus strand). Cytogenetic location: 6p12.1.
Variant type: single nucleotide variant.
Coding change: c.67T>C on transcript NM_001374736.1 (MANE Select); coding-DNA position 67, T replaced by C.
Protein change: p.Leu23=; no amino-acid change (leucine 23 retained).
Molecular consequence: synonymous variant. On other transcripts: genic upstream transcript variant (1).
Genome position (GRCh38, 1-based): chr6:56,954,521, A>G on the plus strand (T>C on the coding strand, the complement: DST is on the minus strand). VCF-style: chr6-56954521-A-G. GRCh37 (hg19) VCF-style: chr6-56819319-A-G.
Other names: c.67T>C (NM_001144769.2); c.67T>C, p.Leu23= (NM_001144769.5, NM_001374722.1, NM_001374734.1); c.-311733T>C (NM_001723.7).
Identifiers: ClinVar variation 3895793 (VCV003895793.2).